The following is an entry in ClinVar:

NM_144991.3(TSPEAR):c.1125G>A (p.Trp375Ter)

Gene: TSPEAR (thrombospondin type laminin G domain and EAR repeats; minus strand). Cytogenetic location: 21q22.3.
Variant type: single nucleotide variant.
Coding change: c.1125G>A on transcript NM_144991.3 (MANE Select); coding-DNA position 1125, G replaced by A.
Protein change: p.Trp375Ter; replaces tryptophan 375 with a stop codon.
Molecular consequence: nonsense.
Genome position (GRCh38, 1-based): chr21:44,527,316, C>T on the plus strand (G>A on the coding strand, the complement: TSPEAR is on the minus strand). VCF-style: chr21-44527316-C-T. GRCh37 (hg19) VCF-style: chr21-45947199-C-T.
Other names: c.921G>A, p.Trp307Ter (NM_001272037.2); short protein forms W307*, W375*.
Identifiers: ClinVar variation 4806708 (VCV004806708.1).

ClinVar aggregate classification (germline): Pathogenic (1 of 4 stars; one submission).

Submission:

Labcorp Genetics (formerly Invitae), Labcorp
Classification: Pathogenic. Last evaluated: 2025-07-01. Review status: criteria provided, single submitter. Criteria: Invitae Variant Classification Sherloc (09022015). Collection method: clinical testing. Allele origin: germline.
Comment: This sequence change creates a premature translational stop signal (p.Trp375*) in the TSPEAR gene. It is expected to result in an absent or disrupted protein product. Loss-of-function variants in TSPEAR are known to be pathogenic (PMID: 34042254). This variant is not present in population databases (gnomAD no frequency). This variant has not been reported in the literature in individuals affected with TSPEAR-related conditions. For these reasons, this variant has been classified as Pathogenic.

Literature cited by the submitters: PubMed 34042254.